The following is an entry in ClinVar:

ClinVar aggregate classification (germline): Uncertain significance. Review status: criteria provided, multiple submitters, no conflicts (2 of 4 stars). 10 submissions from 10 submitters: Uncertain significance (8). 2 of the submissions do not count toward it. Last evaluated 2025-10-31.

Conditions:
CHEK2-related cancer predisposition (TPDS4). Also called: TUMOR PREDISPOSITION SYNDROME 4; CANCER PREDISPOSITION SYNDROME, CHEK2-RELATED; CHEK2-related cancer susceptibility. Identifiers: Orphanet 524, MedGen C5882668, MONDO:0700271, OMIM 609265.
Bone osteosarcoma. Also called: Osteosarcoma, somatic. Identifiers: Orphanet 668, MedGen C0585442, MONDO:0002629, OMIM 259500.
Familial prostate cancer. Also called: Hereditary Prostate Cancer. Identifiers: MedGen C2931456, MONDO:0700275, OMIM 176807.
CHEK2-related disorder.
Hereditary nonpolyposis colon cancer (HNPCC). Also called: Hereditary Nonpolyposis Colorectal Cancer Syndrome; Hereditary nonpolyposis colorectal cancer; Familial nonpolyposis colon cancer. Identifiers: Orphanet 443909, MedGen C1333990, MONDO:0018630. Disease mechanism: loss of function.
Hereditary cancer-predisposing syndrome. Also called: Neoplastic Syndromes, Hereditary; Hereditary neoplastic syndrome; Hereditary Cancer Syndrome; Tumor predisposition. Identifiers: Orphanet 140162, MedGen C0027672, MeSH D009386, MONDO:0015356.
Familial cancer of breast. Also called: BREAST CANCER, FAMILIAL; hereditary breast carcinoma; Hereditary breast cancer. Identifiers: Orphanet 227535, MedGen C0346153, MONDO:0016419, OMIM 114480. Disease mechanism: loss of function.

Allele frequency attached by ClinVar (database versions not stated): gnomAD 0.00001; gnomAD exomes 0.00001; TOPMed 0.00001.
gnomAD v4.1: 15 of 1,613,930 alleles (0.00093%); highest among the groups gnomAD compares: African/African-American, 0.011%; no homozygotes.

Submissions (10):

Labcorp Genetics (formerly Invitae), Labcorp
Classification: Uncertain significance for Familial cancer of breast. Last evaluated: 2025-10-31. Review status: criteria provided, single submitter. Criteria: Invitae Variant Classification Sherloc (09022015). Collection method: clinical testing. Allele origin: germline.
Comment: This sequence change replaces lysine, which is basic and polar, with arginine, which is basic and polar, at codon 244 of the CHEK2 protein (p.Lys244Arg). This variant is present in population databases (rs587778193, gnomAD 0.004%). This missense change has been observed in individual(s) with breast cancer, and an unaffected individual (PMID: 22114986). ClinVar contains an entry for this variant (Variation ID: 133889). An algorithm developed to predict the effect of missense changes on protein structure and function (PolyPhen-2) suggests that this variant is likely to be tolerated. Experimental studies have shown that this missense change does not substantially affect CHEK2 function (PMID: 22114986). In summary, the available evidence is currently insufficient to determine the role of this variant in disease. Therefore, it has been classified as a Variant of Uncertain Significance.

Quest Diagnostics Nichols Institute San Juan Capistrano
Classification: Uncertain significance. Last evaluated: 2025-09-12. Review status: criteria provided, single submitter. Criteria: Quest Diagnostics criteria. Collection method: clinical testing. Allele origin: unknown.
Comment: The CHEK2 c.731A>G (p.Lys244Arg) variant has been reported in the published literature in individuals affected with breast cancer (PMID: 22114986 (2011), 33471991 (2021), see also LOVD, 37449874 (2023)) as well as reportedly unaffected individuals (PMID: 22114986 (2011), 24728327 (2014)). Assessment of experimental evidence regarding the effect of this variant on protein function suggests it has no effect relevant to disease (PMID: 22114986 (2011), 37449874 (2023)). The frequency of this variant in the general population (Genome Aggregation Database) is uninformative in the assessment of its pathogenicity. Analysis of this variant using bioinformatics tools for the prediction of the effect of amino acid changes on protein structure and function yielded predictions that this variant is benign. Based on the available information, we are unable to determine the clinical significance of this variant.

Ambry Genetics
Classification: Uncertain significance for Hereditary cancer-predisposing syndrome. Last evaluated: 2025-03-24. Review status: criteria provided, single submitter. Criteria: Ambry Variant Classification Scheme 2023. Collection method: clinical testing. Allele origin: germline.
Comment: The p.K244R variant (also known as c.731A>G), located in coding exon 5 of the CHEK2 gene, results from an A to G substitution at nucleotide position 731. The lysine at codon 244 is replaced by arginine, an amino acid with highly similar properties. In one study, this alteration was observed in breast cancer cases as well as healthy controls, and an in vitro assay showed that this alteration had wildtype-like levels of kinase activity (Desrichard A et al. Breast Cancer Res. 2011;13(6):R119). This amino acid position is well conserved in available vertebrate species. In addition, this alteration is predicted to be tolerated by in silico analysis. Since supporting evidence is limited at this time, the clinical significance of this alteration remains unclear.

Color Diagnostics, LLC DBA Color Health
Classification: Uncertain significance for Hereditary cancer-predisposing syndrome. Last evaluated: 2024-07-26. Review status: criteria provided, single submitter. Criteria: ACMG Guidelines, 2015. Collection method: clinical testing. Allele origin: germline.
Comment: This missense variant replaces lysine with arginine at codon 244 of the CHEK2 protein. Computational prediction suggests that this variant may not impact protein structure and function. A functional study has shown the mutant protein to exhibit kinase activity similar to the wild-type protein (PMID: 22114986). This variant has been reported in an individual affected with breast cancer (PMID: 22114986) and in two unaffected individuals (PMID: 22114986, 24728327). This variant has been identified in 3/282782 chromosomes in the general population by the Genome Aggregation Database (gnomAD). Available evidence is insufficient to determine the role of this variant in disease conclusively. Therefore, this variant is classified as a Variant of Uncertain Significance.

Fulgent Genetics
Classification: Uncertain significance for Familial prostate cancer; Bone osteosarcoma; CHEK2-related cancer predisposition. Last evaluated: 2024-05-30. Review status: criteria provided, single submitter. Criteria: ACMG Guidelines, 2015. Collection method: clinical testing. Allele origin: germline.

GeneDx
Classification: Uncertain significance. Last evaluated: 2023-12-01. Review status: criteria provided, single submitter. Criteria: GeneDx Variant Classification Process June 2021. Collection method: clinical testing. Allele origin: germline.
Comment: Observed in individuals with breast cancer and also in unaffected controls (PMID: 22114986); Published functional studies demonstrate kinase activity similar to wild type (PMID: 22114986); Not observed at significant frequency in large population cohorts (gnomAD); In silico analysis supports that this missense variant does not alter protein structure/function; This variant is associated with the following publications: (PMID: 33322746, 24728327, 31050813, 22114986, 22419737, 19782031)

Department of Pathology and Laboratory Medicine, Sinai Health System
Classification: Uncertain significance for hereditary nonpolyposis colon cancer. Last evaluated: 2021-07-30. Review status: criteria provided, single submitter. Criteria: ACMG Guidelines, 2015. Collection method: research. Allele origin: germline.

Blueprint Genetics
Classification: Uncertain significance. Last evaluated: 2020-10-11. Review status: criteria provided, single submitter. Criteria: ACMG Guidelines, 2015. Collection method: clinical testing. Allele origin: germline.

PreventionGenetics, part of Exact Sciences
Classification: Uncertain significance for CHEK2-related condition. Last evaluated: 2024-05-22. Review status: no assertion criteria provided. Collection method: clinical testing. Allele origin: germline. Not counted in ClinVar's aggregate classification.
Comment: The CHEK2 c.731A>G variant is predicted to result in the amino acid substitution p.Lys244Arg. This variant has been reported in both cases and controls in a study of women with breast cancer (Desrichard et al. 2011. PubMed ID: 22114986). However, in vitro functional characterization suggested that this variant is not deleterious (Desrichard et al. 2011. PubMed ID: 22114986). This variant is reported in 0.0040% of alleles in individuals of African descent in gnomAD. At this time, the clinical significance of this variant is uncertain due to the absence of conclusive functional and genetic evidence.

ITMI
No classification provided. Condition: AllHighlyPenetrant. Last evaluated: 2013-09-19. Review status: no classification provided. Collection method: reference population. Allele origin: germline. Not counted in ClinVar's aggregate classification.
Comment: Please see associated publication for description of ethnicities

Literature cited by the submitters: PubMed 22114986 (cited by 3 submitters); PubMed 24728327 (cited by 3 submitters); PubMed 33471991 (cited by Quest Diagnostics Nichols Institute San Juan Capistrano); PubMed 37449874 (cited by Quest Diagnostics Nichols Institute San Juan Capistrano).

NM_007194.4(CHEK2):c.731A>G (p.Lys244Arg)

Gene: CHEK2 (checkpoint kinase 2; minus strand). Cytogenetic location: 22q12.1.
Variant type: single nucleotide variant.
Coding change: c.731A>G on transcript NM_007194.4 (MANE Select); coding-DNA position 731, A replaced by G.
Protein change: p.Lys244Arg; replaces lysine 244 with arginine.
Molecular consequence: missense variant.
Genome position (GRCh38, 1-based): chr22:28,711,970, T>C on the plus strand (A>G on the coding strand, the complement: CHEK2 is on the minus strand). VCF-style: chr22-28711970-T-C. GRCh37 (hg19) VCF-style: chr22-29107958-T-C.
Other names: c.860A>G, p.Lys287Arg (NM_001005735.3); c.68A>G, p.Lys23Arg (NM_001257387.3); c.530A>G, p.Lys177Arg (NM_001349956.3); c.731A>G, p.Lys244Arg (NM_145862.3); short protein forms K244R, K287R, K177R, K23R.
Identifiers: ClinVar variation 133889 (VCV000133889.29), dbSNP rs587778193, ClinGen allele CA158097.
Genomic context (GRCh38, chr22:28,711,970, plus strand): 5'-GCCTCTCTTGCTGAACCAATAGCAAACTTCCTTTTGCTGATGATCTTTATGGCTACTTTC[T>C]TACATGTTTTCCTCTCGAAAGCCAGCTTTACCTCTCCACAGGCACCACTAGAGGGAAAAA-3'
Protein context (NP_009125.1, residues 234-254): VKLAFERKTC[Lys244Arg]KVAIKIISKR